The following is an entry in ClinVar:

NM_022367.4(SEMA4A):c.1972C>T (p.Arg658Trp)

Gene: SEMA4A (semaphorin 4A; plus strand). Cytogenetic location: 1q22.
Variant type: single nucleotide variant.
Coding change: c.1972C>T on transcript NM_022367.4 (MANE Select); coding-DNA position 1972, C replaced by T.
Protein change: p.Arg658Trp; replaces arginine 658 with tryptophan.
Molecular consequence: missense variant.
Genome position (GRCh38, 1-based): chr1:156,176,683, C>T. VCF-style: chr1-156176683-C-T. GRCh37 (hg19) VCF-style: chr1-156146474-C-T.
Other names: c.1972C>T, p.Arg658Trp (NM_001193300.2, NM_001193301.2, NM_001370567.1); c.1576C>T, p.Arg526Trp (NM_001193302.2); c.1675C>T, p.Arg559Trp (NM_001370568.1); c.1465C>T, p.Arg489Trp (NM_001370569.1, NM_001370571.1); short protein forms R489W, R559W, R658W, R526W.
Identifiers: ClinVar variation 842293 (VCV000842293.9), dbSNP rs756847201, ClinGen allele CA1155493.
Genomic context (GRCh38, chr1:156,176,683, plus strand): 5'-TACTGGGTGGACAGCCAGGACCAGACCCTGGCCCTGGATCCTGAACTGGCAGGCATCCCC[C>T]GGGAGCATGTGAAGGTCCCGTTGACCAGGGTCAGTGGTGGGGCCGCCCTGGCTGCCCAGC-3'
Protein context (NP_071762.2, residues 648-668): ALDPELAGIP[Arg658Trp]EHVKVPLTRV

ClinVar aggregate classification (germline): Uncertain significance (1 of 4 stars; one submission).

Allele frequency attached by ClinVar (database versions not stated): ExAC 0.00001; gnomAD 0.00002; TOPMed 0.00002.
gnomAD v4.1: 18 of 1,614,036 alleles (0.0011%); highest among the groups gnomAD compares: African/African-American, 0.011%; no homozygotes.

Submission:

Labcorp Genetics (formerly Invitae), Labcorp
Classification: Uncertain significance. Last evaluated: 2022-08-09. Review status: criteria provided, single submitter. Criteria: Invitae Variant Classification Sherloc (09022015). Collection method: clinical testing. Allele origin: germline.
Comment: ClinVar contains an entry for this variant (Variation ID: 842293). Algorithms developed to predict the effect of missense changes on protein structure and function are either unavailable or do not agree on the potential impact of this missense change (SIFT: "Deleterious"; PolyPhen-2: "Probably Damaging"; Align-GVGD: "Class C0"). In summary, the available evidence is currently insufficient to determine the role of this variant in disease. Therefore, it has been classified as a Variant of Uncertain Significance. This sequence change replaces arginine, which is basic and polar, with tryptophan, which is neutral and slightly polar, at codon 658 of the SEMA4A protein (p.Arg658Trp). This variant is not present in population databases (gnomAD no frequency). This missense change has been observed in individual(s) with high myopia (PMID: 30245926).

Literature cited by the submitters: PubMed 30245926.